The following is an entry in ClinVar:

ClinVar aggregate classification (germline): Uncertain significance (1 of 4 stars; one submission).

Conditions:
Hereditary cancer-predisposing syndrome. Also called: Hereditary neoplastic syndrome; Neoplastic Syndromes, Hereditary; Tumor predisposition; Hereditary Cancer Syndrome. Identifiers: Orphanet 140162, MedGen C0027672, MeSH D009386, MONDO:0015356.

Submission:

Ambry Genetics
Classification: Uncertain significance for Hereditary cancer-predisposing syndrome. Last evaluated: 2025-08-27. Review status: criteria provided, single submitter. Criteria: Ambry Variant Classification Scheme 2023. Collection method: clinical testing. Allele origin: germline.
Comment: The p.K108R variant (also known as c.323A>G), located in coding exon 3 of the MUTYH gene, results from an A to G substitution at nucleotide position 323. The lysine at codon 108 is replaced by arginine, an amino acid with highly similar properties. This amino acid position is conserved. In addition, the in silico prediction for this alteration is inconclusive. Based on the available evidence, the clinical significance of this variant remains unclear.

NM_001048174.2(MUTYH):c.239A>G (p.Lys80Arg)

Gene: MUTYH (mutY DNA glycosylase; minus strand). Cytogenetic location: 1p34.1.
Variant type: single nucleotide variant.
Coding change: c.239A>G on transcript NM_001048174.2 (MANE Select); coding-DNA position 239, A replaced by G.
Protein change: p.Lys80Arg; replaces lysine 80 with arginine.
Molecular consequence: missense variant. On other transcripts: non-coding transcript variant (7), 5 prime UTR variant (6).
Genome position (GRCh38, 1-based): chr1:45,333,438, T>C on the plus strand (A>G on the coding strand, the complement: MUTYH is on the minus strand). VCF-style: chr1-45333438-T-C. GRCh37 (hg19) VCF-style: chr1-45799110-T-C.
Other names: c.-33A>G (NM_001350650.2, NM_001407082.1, NM_001350651.2); c.242A>G, p.Lys81Arg (NM_001407079.1, NM_001407086.1, NM_001048172.2 and 2 more transcripts); c.239A>G, p.Lys80Arg (NM_001407080.1, NM_001407081.1, NM_001407088.1 and 6 more transcripts); c.281A>G, p.Lys94Arg (NM_001407083.1, NM_001407085.1, NM_001407073.1); c.260A>G, p.Lys87Arg (NM_001407087.1); c.-38A>G (NM_001407091.1, NM_001293192.2, NM_001293196.2); c.323A>G, p.Lys108Arg (NM_001128425.2); c.284A>G, p.Lys95Arg (NM_001293190.2); and 3 more; short protein forms K80R, K81R, K87R, K52R, K105R, K94R, K108R, K91R.
Identifiers: ClinVar variation 4113601 (VCV004113601.1).